The following is an entry in ClinVar:

NM_002292.4(LAMB2):c.3154T>C (p.Ser1052Pro)

Gene: LAMB2 (laminin subunit beta 2; minus strand). Cytogenetic location: 3p21.31.
Variant type: single nucleotide variant.
Coding change: c.3154T>C on transcript NM_002292.4 (MANE Select); coding-DNA position 3154, T replaced by C.
Protein change: p.Ser1052Pro; replaces serine 1052 with proline.
Molecular consequence: missense variant.
Genome position (GRCh38, 1-based): chr3:49,124,568, A>G on the plus strand (T>C on the coding strand, the complement: LAMB2 is on the minus strand). VCF-style: chr3-49124568-A-G. GRCh37 (hg19) VCF-style: chr3-49162001-A-G.
Other names: short protein forms S1052P.
Identifiers: ClinVar variation 1476647 (VCV001476647.8), dbSNP rs2107638715, ClinGen allele CA352712048.

ClinVar aggregate classification (germline): Uncertain significance (1 of 4 stars; one submission).

Conditions:
Pierson syndrome. Also called: MICROCORIA-CONGENITAL NEPHROTIC SYNDROME. Identifiers: Orphanet 2670, MedGen C1836876, MONDO:0012184, OMIM 609049.
LAMB2-related infantile-onset nephrotic syndrome. Also called: NEPHROTIC SYNDROME, TYPE 5, WITHOUT OCULAR ABNORMALITIES; NEPHROTIC SYNDROME, TYPE 5, WITH OCULAR ABNORMALITIES; Nephrotic Syndrome, type 5. Identifiers: Orphanet 306507, MedGen C3280113, MONDO:0013621, OMIM 614199.

Submission:

Labcorp Genetics (formerly Invitae), Labcorp
Classification: Uncertain significance for LAMB2-related infantile-onset nephrotic syndrome; Pierson syndrome. Last evaluated: 2020-12-08. Review status: criteria provided, single submitter. Criteria: Invitae Variant Classification Sherloc (09022015). Collection method: clinical testing. Allele origin: germline.
Comment: This variant is not present in population databases (ExAC no frequency). In summary, the available evidence is currently insufficient to determine the role of this variant in disease. Therefore, it has been classified as a Variant of Uncertain Significance. Algorithms developed to predict the effect of missense changes on protein structure and function are either unavailable or do not agree on the potential impact of this missense change (SIFT: "Deleterious"; PolyPhen-2: "Possibly Damaging"; Align-GVGD: "Class C0"). This variant has not been reported in the literature in individuals with LAMB2-related conditions. This sequence change replaces serine with proline at codon 1052 of the LAMB2 protein (p.Ser1052Pro). The serine residue is highly conserved and there is a moderate physicochemical difference between serine and proline.